The following is an entry in ClinVar:

NM_080911.3(UNG):c.39del (p.Ser14fs)

Gene: UNG (uracil DNA glycosylase; plus strand). Cytogenetic location: 12q24.11.
Variant type: Deletion.
Coding change: c.39del on transcript NM_080911.3 (MANE Select); coding-DNA position 39, one base deleted (C; older notation c.39delC).
Protein change: p.Ser14fs; shifts the reading frame from serine 14.
Molecular consequence: frameshift variant.
Genome position (GRCh38, 1-based): chr12:109,097,718, C deleted; the last of 5 consecutive C bases (chr12:109,097,714-109,097,718); deleting any one gives the same sequence. VCF-style (leftmost placement, unchanged base first): chr12-109097713-TC-T. GRCh37 (hg19) VCF-style: chr12-109535518-TC-T.
Other names: short protein forms S14fs.
Identifiers: ClinVar variation 2083377 (VCV002083377.4), dbSNP rs2499976292, ClinGen allele CA2580085749.

ClinVar aggregate classification (germline): Pathogenic (1 of 4 stars; one submission).

Conditions:
Hyper-IgM syndrome type 5 (HIGM5). Also called: Hyper-IgM Immunodeficiency Syndrome, Type 5. Identifiers: Orphanet 101092, MedGen C1720958, MONDO:0011971, OMIM 608106.

Submission:

Labcorp Genetics (formerly Invitae), Labcorp
Classification: Pathogenic for Hyper-IgM syndrome type 5. Last evaluated: 2022-01-15. Review status: criteria provided, single submitter. Criteria: Invitae Variant Classification Sherloc (09022015). Collection method: clinical testing. Allele origin: germline.
Comment: This sequence change creates a premature translational stop signal (p.Ser14Alafs*53) in the UNG gene. It is expected to result in an absent or disrupted protein product. Loss-of-function variants in UNG are known to be pathogenic (PMID: 12958596). This variant is not present in population databases (gnomAD no frequency). This variant has not been reported in the literature in individuals affected with UNG-related conditions. For these reasons, this variant has been classified as Pathogenic.

Literature cited by the submitters: PubMed 12958596.